The following is an entry in ClinVar:

NM_014844.5(TECPR2):c.3028G>A (p.Gly1010Ser)

Gene: TECPR2 (tectonin beta-propeller repeat containing 2; plus strand). Cytogenetic location: 14q32.31.
Variant type: single nucleotide variant.
Coding change: c.3028G>A on transcript NM_014844.5 (MANE Select); coding-DNA position 3028, G replaced by A.
Protein change: p.Gly1010Ser; replaces glycine 1010 with serine.
Molecular consequence: missense variant.
Genome position (GRCh38, 1-based): chr14:102,445,900, G>A. VCF-style: chr14-102445900-G-A. GRCh37 (hg19) VCF-style: chr14-102912237-G-A.
Other names: c.3028G>A, p.Gly1010Ser (NM_001172631.3); short protein forms G1010S.
Identifiers: ClinVar variation 2148896 (VCV002148896.1), dbSNP rs867934183, ClinGen allele CA267068511.
Genomic context (GRCh38, chr14:102,445,900, plus strand): 5'-CTCGGGGATCAGCAGACTCTCTGGGCCCTGGACATCCATGGGAACCTGTGGTTCAGAACT[G>A]GCATTATTTCCAAGAAGCCCCAAGGAGATGACGACCATTGGTGGCAAGTAGGTGTTCAGC-3'
Protein context (NP_055659.2, residues 1000-1020): DIHGNLWFRT[Gly1010Ser]IISKKPQGDD

ClinVar aggregate classification (germline): Uncertain significance (1 of 4 stars; one submission).

Conditions:
Hereditary spastic paraplegia 49 (HSAN9). Also called: Spastic paraplegia 49, autosomal recessive; TECPR2-Related Hereditary Sensory and Autonomic Neuropathy with Intellectual Disability; NEUROPATHY, HEREDITARY SENSORY AND AUTONOMIC, TYPE IX, WITH DEVELOPMENTAL DELAY. Identifiers: Orphanet 320385, MedGen C5190860, MONDO:0014016, OMIM 615031.

Allele frequency attached by ClinVar (database versions not stated): gnomAD exomes 0.00001; TOPMed below 0.00001; gnomAD 0.00001.
gnomAD v4.1: 6 of 1,613,834 alleles (0.00037%); highest among the groups gnomAD compares: Middle Eastern, 0.066%; no homozygotes.

Submission:

Labcorp Genetics (formerly Invitae), Labcorp
Classification: Uncertain significance for Hereditary spastic paraplegia 49. Last evaluated: 2022-06-13. Review status: criteria provided, single submitter. Criteria: Invitae Variant Classification Sherloc (09022015). Collection method: clinical testing. Allele origin: germline.
Comment: This sequence change replaces glycine, which is neutral and non-polar, with serine, which is neutral and polar, at codon 1010 of the TECPR2 protein (p.Gly1010Ser). This variant is not present in population databases (gnomAD no frequency). This variant has not been reported in the literature in individuals affected with TECPR2-related conditions. Algorithms developed to predict the effect of missense changes on protein structure and function are either unavailable or do not agree on the potential impact of this missense change (SIFT: "Deleterious"; PolyPhen-2: "Probably Damaging"; Align-GVGD: "Class C0"). In summary, the available evidence is currently insufficient to determine the role of this variant in disease. Therefore, it has been classified as a Variant of Uncertain Significance.